The following is an entry in ClinVar:

ClinVar aggregate classification (germline): Uncertain significance (1 of 4 stars; one submission).

Submission:

GeneDx
Classification: Uncertain significance. Last evaluated: 2021-11-05. Review status: criteria provided, single submitter. Criteria: GeneDx Variant Classification Process June 2021. Collection method: clinical testing. Allele origin: germline. Affected: yes.
Comment: Not observed in large population cohorts (Lek et al., 2016); In silico analysis supports that this missense variant has a deleterious effect on protein structure/function; Has not been previously published as pathogenic or benign to our knowledge

NM_002024.6(FMR1):c.272T>C (p.Phe91Ser)

Gene: FMR1 (fragile X messenger ribonucleoprotein 1; plus strand). Cytogenetic location: Xq27.3.
Variant type: single nucleotide variant.
Coding change: c.272T>C on transcript NM_002024.6 (MANE Select); coding-DNA position 272, T replaced by C.
Protein change: p.Phe91Ser; replaces phenylalanine 91 with serine.
Molecular consequence: missense variant. On other transcripts: non-coding transcript variant (2).
Genome position (GRCh38, 1-based): chrX:147,928,660, T>C. VCF-style: chrX-147928660-T-C. GRCh37 (hg19) VCF-style: chrX-147010178-T-C.
Other names: c.272T>C, p.Phe91Ser (NM_001185075.2, NM_001185076.2, NM_001185081.2 and 1 more transcripts); short protein forms F91S.
Identifiers: ClinVar variation 1326069 (VCV001326069.2), dbSNP rs2124505038, ClinGen allele CA414436085.
Genomic context (GRCh38, chrX:147,928,660, plus strand): 5'-GAACTTCTTATTCTTACTTTAAAAATTGTGATTAGAAGTGACTTTTATTTATTTCTCAGT[T>C]TTATGTGATAGAATATGCAGCATGTGATGCAACTTACAATGAAATTGTCACAATTGAACG-3'
Protein context (NP_002015.1, residues 81-101): LAKVRMIKGE[Phe91Ser]YVIEYAACDA